The following is an entry in ClinVar:

ClinVar aggregate classification (germline): Conflicting classifications of pathogenicity. Review status: criteria provided, conflicting classifications (1 of 4 stars). 2 submissions from 2 submitters: Likely pathogenic (1); Uncertain significance (1). Last evaluated 2024-11-13.

Conditions:
Hereditary angioedema type 1 (HAE1). Identifiers: Orphanet 100050, Orphanet 100051, Orphanet 91378, MedGen C2717906, MONDO:0015053, OMIM 106100.

Submissions (2):

Blueprint Genetics
Classification: Uncertain significance. Last evaluated: 2024-11-13. Review status: criteria provided, single submitter. Criteria: ACMG Guidelines, 2015. Collection method: clinical testing. Allele origin: germline.

DNA-diagnostics Laboratory, Research Centre For Medical Genetics
Classification: Likely pathogenic for Hereditary angioedema type 1. Last evaluated: 2024-06-01. Review status: criteria provided, single submitter. Criteria: ACMG Guidelines, 2015. Collection method: research. Allele origin: germline. Inheritance: Autosomal dominant inheritance. Affected: yes. Observed: 2 variant alleles, 2 heterozygotes.
Comment: The c.1040T>C variant in SERPING1 meets ACMG/ClinGen SVI guidance criteria to be classified as likely pathogenic: PS4_Mod, PM2_Sup, PP2, PP3, PP4

NM_000062.3(SERPING1):c.1040T>C (p.Leu347Pro)

Gene: SERPING1 (serpin family G member 1; plus strand). Cytogenetic location: 11q12.1.
Variant type: single nucleotide variant.
Coding change: c.1040T>C on transcript NM_000062.3 (MANE Select); coding-DNA position 1040, T replaced by C.
Protein change: p.Leu347Pro; replaces leucine 347 with proline.
Molecular consequence: missense variant.
Genome position (GRCh38, 1-based): chr11:57,611,727, T>C. VCF-style: chr11-57611727-T-C. GRCh37 (hg19) VCF-style: chr11-57379200-T-C.
Other names: c.1040T>C, p.Leu347Pro (NM_001032295.2); short protein forms L347P.
Identifiers: ClinVar variation 3242451 (VCV003242451.3), dbSNP rs2495452135.